The following is an entry in ClinVar:

ClinVar aggregate classification (germline): Uncertain significance. Review status: criteria provided, single submitter (1 of 4 stars). 2 submissions from 2 submitters: Uncertain significance (1). 1 of the submissions does not count toward it. Last evaluated 2024-02-24.

Conditions:
IFT74-related disorder. Also called: IFT74-related condition; IFT74-Related Disorders.

Allele frequency attached by ClinVar (database versions not stated): TOPMed 0.00002; gnomAD exomes below 0.00001; gnomAD 0.00001.
gnomAD v4.1: 3 of 1,595,822 alleles (0.00019%); highest among the groups gnomAD compares: Admixed American, 0.0034%; no homozygotes.

Submissions (2):

Labcorp Genetics (formerly Invitae), Labcorp
Classification: Uncertain significance. Last evaluated: 2024-02-24. Review status: criteria provided, single submitter. Criteria: Invitae Variant Classification Sherloc (09022015). Collection method: clinical testing. Allele origin: germline.
Comment: This sequence change replaces serine, which is neutral and polar, with threonine, which is neutral and polar, at codon 401 of the IFT74 protein (p.Ser401Thr). This variant is present in population databases (no rsID available, gnomAD 0.003%). This variant has not been reported in the literature in individuals affected with IFT74-related conditions. ClinVar contains an entry for this variant (Variation ID: 1350231). An algorithm developed to predict the effect of missense changes on protein structure and function (PolyPhen-2) suggests that this variant is likely to be disruptive. In summary, the available evidence is currently insufficient to determine the role of this variant in disease. Therefore, it has been classified as a Variant of Uncertain Significance.

PreventionGenetics, part of Exact Sciences
Classification: Uncertain significance for IFT74-related condition. Last evaluated: 2024-05-09. Review status: no assertion criteria provided. Collection method: clinical testing. Allele origin: germline. Not counted in ClinVar's aggregate classification.
Comment: The IFT74 c.1202G>C variant is predicted to result in the amino acid substitution p.Ser401Thr. To our knowledge, this variant has not been reported in the literature. This variant is reported in 0.0030% of alleles in individuals of Latino descent in gnomAD. At this time, the clinical significance of this variant is uncertain due to the absence of conclusive functional and genetic evidence.

NM_025103.4(IFT74):c.1202G>C (p.Ser401Thr)

Gene: IFT74 (intraflagellar transport 74; plus strand). Cytogenetic location: 9p21.2.
Variant type: single nucleotide variant.
Coding change: c.1202G>C on transcript NM_025103.4 (MANE Select); coding-DNA position 1202, G replaced by C.
Protein change: p.Ser401Thr; replaces serine 401 with threonine.
Molecular consequence: missense variant.
Genome position (GRCh38, 1-based): chr9:27,047,367, G>C. VCF-style: chr9-27047367-G-C. GRCh37 (hg19) VCF-style: chr9-27047365-G-C.
Other names: c.1202G>C, p.Ser401Thr (NM_001099222.3, NM_001099223.3, NM_001349928.2); c.1202G>C (NM_025103.2); short protein forms S401T.
Identifiers: ClinVar variation 1350231 (VCV001350231.8), dbSNP rs1026606574, ClinGen allele CA191347887.